The following is an entry in ClinVar:

NM_000170.3(GLDC):c.2153_2155delinsTCCTGGTTTA (p.His718_Gln719delinsLeuLeuValTer)

Gene: GLDC (glycine decarboxylase; minus strand). Cytogenetic location: 9p24.1.
Variant type: Indel.
Coding change: c.2153_2155delinsTCCTGGTTTA on transcript NM_000170.3 (MANE Select); coding-DNA positions 2153 to 2155, ATC replaced by TCCTGGTTTA.
Protein change: p.His718_Gln719delinsLeuLeuValTer.
Molecular consequence: nonsense.
Genome position (GRCh38, 1-based): chr9:6,556,200-6,556,202, GAT replaced by TAAACCAGGA on the plus strand (ATC replaced by TCCTGGTTTA on the coding strand, the reverse complement: GLDC is on the minus strand). VCF-style: chr9-6556200-GAT-TAAACCAGGA. GRCh37 (hg19) VCF-style: chr9-6556200-GAT-TAAACCAGGA.
Other names: c.2153_2155delATCinsTCCTGGTTTA (NM_000170.2).
Identifiers: ClinVar variation 56060 (VCV000056060.2), dbSNP rs386833541, ClinGen allele CA263337.

ClinVar aggregate classification (germline): Likely pathogenic (0 of 4 stars; one submission).

Conditions:
Glycine encephalopathy. Also called: Nonketotic hyperglycinemia; Non-ketotic hyperglycinemia. Identifiers: Orphanet 407, MedGen C0751748, MONDO:0011612, HP:0008288.

Submission:

Juha Muilu Group; Institute for Molecular Medicine Finland (FIMM)
Classification: Likely pathogenic for Non-ketotic hyperglycinemia. Review status: no assertion criteria provided. Collection method: not provided. Allele origin: unknown.
Comment: FinDis database variant: This variant was not found or characterized by our laboratory, data were collected from public sources: see reference
ClinVar note: Converted during submission from probable-pathogenic to Likely pathogenic.